The following is an entry in ClinVar:

ClinVar aggregate classification (germline): Uncertain significance. Review status: criteria provided, multiple submitters, no conflicts (2 of 4 stars). 2 submissions from 2 submitters: Uncertain significance (2). Last evaluated 2022-03-16.

Conditions:
Mitochondrial DNA depletion syndrome 13. Also called: FBXL4-Related Encephalomyopathic Mitochondrial DNA Depletion Syndrome; Mitochondrial DNA depletion syndrome 13 (encephalomyopathic type). Identifiers: Orphanet 369897, MedGen C3809592, MONDO:0014198, OMIM 615471.

Allele frequency attached by ClinVar (database versions not stated): TOPMed 0.00001.
gnomAD v4.1: 5 of 1,607,432 alleles (0.00031%); highest among the groups gnomAD compares: Non-Finnish European, 0.00042%; no homozygotes.

Submissions (2):

Revvity Omics, Revvity
Classification: Uncertain significance for Mitochondrial DNA depletion syndrome 13. Last evaluated: 2022-03-16. Review status: criteria provided, single submitter. Criteria: ACMG Guidelines, 2015. Collection method: clinical testing. Allele origin: germline.

Wong Mito Lab, Molecular and Human Genetics, Baylor College of Medicine
Classification: Uncertain significance for Mitochondrial DNA depletion syndrome 13. Last evaluated: 2017-08-10. Review status: criteria provided, single submitter. Criteria: ACMG Guidelines, 2015. Collection method: reference population. Allele origin: germline.
Comment: The NM_012160.4:c.1723G>A (NP_036292.2:p.Ala575Thr) [GRCH38: NC_000006.12:g.98874421C>T] variant in FBXL4 gene is interpretated to be a Uncertain Significance - Conflicting Evidence based on ACMG guidelines (PMID: 25741868). This variant meets one or more of the following evidence codes reported in the ACMG-guideline. PM2:This variant is absent in key population databases. BP4:Computational evidence/predictors indicate no impact on the FBXL4 structure, function, or protein-protein interaction. Based on this evidence code ClinGen Pathogenicity Calculator (PMID:28081714) suggested that the variant is Uncertain Significance - Conflicting Evidence.

NM_001278716.2(FBXL4):c.1723G>A (p.Ala575Thr)

Gene: FBXL4 (F-box and leucine rich repeat protein 4; minus strand). Cytogenetic location: 6q16.1.
Variant type: single nucleotide variant.
Coding change: c.1723G>A on transcript NM_001278716.2 (MANE Select); coding-DNA position 1723, G replaced by A.
Protein change: p.Ala575Thr; replaces alanine 575 with threonine.
Molecular consequence: missense variant. On other transcripts: non-coding transcript variant (1).
Genome position (GRCh38, 1-based): chr6:98,874,421, C>T on the plus strand (G>A on the coding strand, the complement: FBXL4 is on the minus strand). VCF-style: chr6-98874421-C-T. GRCh37 (hg19) VCF-style: chr6-99322297-C-T.
Other names: c.1723G>A, p.Ala575Thr (NM_012160.5); short protein forms A575T.
Identifiers: ClinVar variation 437801 (VCV000437801.2), dbSNP rs200435702, ClinGen allele CA3933356.